The following is an entry in ClinVar:

NM_130839.5(UBE3A):c.1686TGA[1] (p.Asp563del)

Genes: SNHG14 (small nucleolar RNA host gene 14; plus strand), UBE3A (ubiquitin protein ligase E3A; minus strand). Cytogenetic location: 15q11.2.
Variant type: Microsatellite.
Coding change: c.1686TGA[1] on transcript NM_130839.5 (MANE Select); one copy of the 3-base unit TGA starting at c.1686; the reference has two copies in a row; one copy, 3 bases deleted.
Protein change: p.Asp563del; deletes aspartic acid 563.
Molecular consequence: inframe deletion. On other transcripts: non-coding transcript variant (1).
Genome position (GRCh38, 1-based): chr15:25,360,445-25,360,447, TCA deleted on the plus strand (TGA on the coding strand, the reverse complement: UBE3A is on the minus strand); deleting any 3 consecutive bases within chr15:25,360,445-25,360,450 gives the same sequence; the position shown is the placement nearest the transcript's 3' end. VCF-style (leftmost placement, unchanged base first): chr15-25360444-CTCA-C. GRCh37 (hg19) VCF-style: chr15-25605591-CTCA-C.
Other names: c.1695TGA[1], p.Asp566del (NM_000462.5); c.1686TGA[1], p.Asp563del (NM_001354505.1, NM_001354538.2, NM_001354545.2); c.1626TGA[1], p.Asp543del (NM_001354506.2, NM_001354507.2, NM_001354508.2 and 17 more transcripts); c.1509TGA[1], p.Asp504del (NM_001354546.2); c.435TGA[1], p.Asp146del (NM_001354550.2); c.375TGA[1], p.Asp126del (NM_001354551.2); short protein forms D543del, D126del, D146del, D563del, D504del, D566del.
Identifiers: ClinVar variation 156122 (VCV000156122.4), dbSNP rs587782909, ClinGen allele CA333412.

ClinVar aggregate classification (germline): Uncertain significance. Review status: criteria provided, single submitter (1 of 4 stars). 2 submissions from 2 submitters: Uncertain significance (1). 1 of the submissions does not count toward it. Last evaluated 2023-08-02.

Conditions:
Angelman syndrome (AS). Also called: HAPPY PUPPET SYNDROME. Identifiers: Orphanet 72, MedGen C0162635, MONDO:0007113, OMIM 105830. Disease mechanism: loss of function. Inheritance: AS is caused by disruption of maternally imprinted UBE3A located within the 15q11.2-q13 Angelman syndrome/Prader-Willi syndrome (AS/PWS) region., imprinting disorder.

Submissions (2):

Labcorp Genetics (formerly Invitae), Labcorp
Classification: Uncertain significance for Angelman syndrome. Last evaluated: 2023-08-02. Review status: criteria provided, single submitter. Criteria: Invitae Variant Classification Sherloc (09022015). Collection method: clinical testing. Allele origin: germline.
Comment: In summary, the available evidence is currently insufficient to determine the role of this variant in disease. Therefore, it has been classified as a Variant of Uncertain Significance. This variant has been observed in individual(s) with clinical features of Angelman syndrome (PMID: 25212744; Invitae). This variant is not present in population databases (gnomAD no frequency). This variant, c.1629_1631del, results in the deletion of 1 amino acid(s) of the UBE3A protein (p.Asp543del), but otherwise preserves the integrity of the reading frame.

Baylor Genetics
Classification: Uncertain significance for Angelman syndrome. Last evaluated: 2014-02-14. Review status: no assertion criteria provided. Collection method: clinical testing. Allele origin: maternal. Affected: yes. Observed: 2 variant alleles. Study: UBE3A Mutation Study. Not counted in ClinVar's aggregate classification.
Comment: possible diagnosis of Angelman syndrome

Data collected from clinical UBE3A sequence analysis results

Literature cited by the submitters: PubMed 25212744 (cited by Labcorp Genetics (formerly Invitae), Labcorp and Baylor Genetics).